The following is an entry in ClinVar:

NM_000169.3(GLA):c.509A>G (p.Asp170Gly)

Genes: GLA (galactosidase alpha; minus strand), RPL36A-HNRNPH2 (RPL36A-HNRNPH2 readthrough; plus strand). Cytogenetic location: Xq22.1.
Variant type: single nucleotide variant.
Coding change: c.509A>G on transcript NM_000169.3 (MANE Select); coding-DNA position 509, A replaced by G.
Protein change: p.Asp170Gly; replaces aspartic acid 170 with glycine.
Molecular consequence: missense variant. On other transcripts: non-coding transcript variant (3), intron variant (2).
Genome position (GRCh38, 1-based): chrX:101,401,670, T>C on the plus strand (A>G on the coding strand, the complement: GLA is on the minus strand). VCF-style: chrX-101401670-T-C. GRCh37 (hg19) VCF-style: chrX-100656658-T-C.
Other names: c.632A>G, p.Asp211Gly (NM_001406747.1, NM_001406749.1); c.509A>G, p.Asp170Gly (NM_001406748.1); c.300+6213T>C (NM_001199973.2); c.177+9848T>C (NM_001199974.2); short protein forms D211G.
Identifiers: ClinVar variation 92553 (VCV000092553.7), dbSNP rs398123210, ClinGen allele CA021780.
Genomic context (GRCh38, chrX:101,401,670, plus strand): 5'-AATCTCTGGAATGAAACATTACCATCTGCCAAATTTTCCAAACTGTCACAGTAACAACCA[T>C]CAAATTTTAGCAGATCTACTCCCCAGTCAGCAAAGGTCTGGGCATCAATGTCGTAGTATC-3'
Protein context (NP_000160.1, residues 160-180): ADWGVDLLKF[Asp170Gly]GCYCDSLENL

ClinVar aggregate classification (germline): Pathogenic/Likely pathogenic. Review status: criteria provided, multiple submitters, no conflicts (2 of 4 stars). 2 submissions from 2 submitters: Pathogenic (1); Likely pathogenic (1). Last evaluated 2026-09-08.

Conditions:
Fabry disease. Also called: Ceramide trihexosidosis; Fabry's disease; HEREDITARY DYSTOPIC LIPIDOSIS; Angiokeratoma corporis diffusum; ALPHA-GALACTOSIDASE A DEFICIENCY; ANDERSON-FABRY DISEASE. Identifiers: Orphanet 324, MedGen C0002986, MONDO:0010526, OMIM 301500, HP:0001071. Disease mechanism: Fabry disease is due to inactivating mutations in the X-linked GLA gene resulting in deficiency of the enzyme Alpha Galactosidase-A., loss of function.

Submissions (2):

Genomenon, Inc
Classification: Likely pathogenic for Fabry disease. Last evaluated: 2026-09-08. Review status: criteria provided, single submitter. Criteria: Genomenon Sequence Variant Interpretation Standards - Updated. Collection method: curation. Allele origin: germline. Affected: no.
Comment: GLA p.Asp170Gly (c.509A>G) is a missense variant that changes the amino acid at codon 170 from Aspartic acid to Glycine. To our knowledge, this variant has not been reported in patients affected with Fabry disease in the published literature. At least one functional study has demonstrated a substantial alteration in protein function relative to the wild-type (PMID:27657681). This variant is located in a mutational hotspot and/or important functional domain. It is absent or not present at a significant frequency in gnomAD. In silico models predict that this variant is possibly or probably damaging. In conclusion, we classify GLA p.Asp170Gly (c.509A>G) as a likely pathogenic variant.

Eurofins Ntd Llc (ga)
Classification: Pathogenic. Last evaluated: 2012-11-06. Review status: criteria provided, single submitter. Criteria: EGL Classification Definitions 2015. Collection method: clinical testing. Allele origin: germline. Observed: 2 variant alleles, 2 heterozygotes.

Literature cited by the submitters: PubMed 27657681 (cited by Genomenon, Inc).